The following is an entry in ClinVar:

ClinVar aggregate classification (germline): Uncertain significance (1 of 4 stars; one submission).

Conditions:
Hereditary cancer-predisposing syndrome. Also called: Tumor predisposition; Hereditary neoplastic syndrome; Hereditary Cancer Syndrome; Neoplastic Syndromes, Hereditary. Identifiers: Orphanet 140162, MedGen C0027672, MeSH D009386, MONDO:0015356.

Submission:

Ambry Genetics
Classification: Uncertain significance for Hereditary cancer-predisposing syndrome. Last evaluated: 2023-11-17. Review status: criteria provided, single submitter. Criteria: Ambry Variant Classification Scheme 2023. Collection method: clinical testing. Allele origin: germline.
Comment: The p.L821F variant (also known as c.2463G>C), located in coding exon 18 of the MSH3 gene, results from a G to C substitution at nucleotide position 2463. The leucine at codon 821 is replaced by phenylalanine, an amino acid with highly similar properties. This amino acid position is conserved. In addition, the in silico prediction for this alteration is inconclusive. Since supporting evidence is limited at this time, the clinical significance of this alteration remains unclear.

NM_002439.5(MSH3):c.2463G>C (p.Leu821Phe)

Gene: MSH3 (mutS homolog 3; plus strand). Cytogenetic location: 5q14.1.
Variant type: single nucleotide variant.
Coding change: c.2463G>C on transcript NM_002439.5 (MANE Select); coding-DNA position 2463, G replaced by C.
Protein change: p.Leu821Phe; replaces leucine 821 with phenylalanine.
Molecular consequence: missense variant.
Genome position (GRCh38, 1-based): chr5:80,787,592, G>C. VCF-style: chr5-80787592-G-C. GRCh37 (hg19) VCF-style: chr5-80083411-G-C.
Other names: short protein forms L821F.
Identifiers: ClinVar variation 3222267 (VCV003222267.1), dbSNP rs2112020218, ClinGen allele CA360283072.
Genomic context (GRCh38, chr5:80,787,592, plus strand): 5'-CTCACCTTTTTGTTGTTGCTGCTGCTTCCGTAGGAAATTCAGTGAACATTATCACTCCTT[G>C]TGTAAAGCAGTGCATCACCTAGCAACTGTTGACTGCATTTTCTCCCTGGCCAAGGTCGCT-3'
Protein context (NP_002430.3, residues 811-831): LEKFSEHYHS[Leu821Phe]CKAVHHLATV